The following is an entry in ClinVar:

NM_020975.6(RET):c.2234A>C (p.His745Pro)

Gene: RET (ret proto-oncogene; plus strand). Cytogenetic location: 10q11.21.
Variant type: single nucleotide variant.
Coding change: c.2234A>C on transcript NM_020975.6 (MANE Select); coding-DNA position 2234, A replaced by C.
Protein change: p.His745Pro; replaces histidine 745 with proline.
Molecular consequence: missense variant.
Genome position (GRCh38, 1-based): chr10:43,116,681, A>C. VCF-style: chr10-43116681-A-C. GRCh37 (hg19) VCF-style: chr10-43612129-A-C.
Other names: c.2105A>C, p.His702Pro (NM_001406764.1, NM_001406761.1, NM_001406762.1); c.2099A>C, p.His700Pro (NM_001406765.1, NM_001406763.1); c.1946A>C, p.His649Pro (NM_001406766.1, NM_001406767.1, NM_001406770.1); c.1970A>C, p.His657Pro (NM_001406768.1); c.1838A>C, p.His613Pro (NM_001406769.1, NM_001406772.1); c.1796A>C, p.His599Pro (NM_001406771.1, NM_001406773.1); c.1244A>C, p.His415Pro (NM_001406784.1); c.1217A>C, p.His406Pro (NM_001406785.1); and 10 more; short protein forms H745P, H491P, H401P, H406P, H649P, H702P, H262P, H350P.
Identifiers: ClinVar variation 543727 (VCV000543727.13), dbSNP rs534094626, ClinGen allele CA376554656.

ClinVar aggregate classification (germline): Uncertain significance. Review status: criteria provided, multiple submitters, no conflicts (2 of 4 stars). 2 submissions from 2 submitters: Uncertain significance (2). Last evaluated 2025-09-04.

Conditions:
Hereditary cancer-predisposing syndrome. Also called: Neoplastic Syndromes, Hereditary; Hereditary Cancer Syndrome; Hereditary neoplastic syndrome; Tumor predisposition. Identifiers: Orphanet 140162, MedGen C0027672, MeSH D009386, MONDO:0015356.
Multiple endocrine neoplasia, type 2 (MEN2). Identifiers: Orphanet 653, MedGen C4048306, MONDO:0019003. Disease mechanism: gain of function.

gnomAD v4.1: 1 of 1,612,618 alleles (0.000062%); highest among the groups gnomAD compares: Non-Finnish European, 0.000085%; no homozygotes.

Submissions (2):

Ambry Genetics
Classification: Uncertain significance for Hereditary cancer-predisposing syndrome. Last evaluated: 2025-09-04. Review status: criteria provided, single submitter. Criteria: Ambry Variant Classification Scheme 2023. Collection method: clinical testing. Allele origin: germline.
Comment: The p.H745P variant (also known as c.2234A>C), located in coding exon 12 of the RET gene, results from an A to C substitution at nucleotide position 2234. The histidine at codon 745 is replaced by proline, an amino acid with similar properties. This amino acid position is well conserved in available vertebrate species. In addition, this alteration is predicted to be tolerated by in silico analysis. Based on the available evidence, the clinical significance of this variant remains unclear.

Labcorp Genetics (formerly Invitae), Labcorp
Classification: Uncertain significance for Multiple endocrine neoplasia, type 2. Last evaluated: 2022-11-29. Review status: criteria provided, single submitter. Criteria: Invitae Variant Classification Sherloc (09022015). Collection method: clinical testing. Allele origin: germline.
Comment: In summary, the available evidence is currently insufficient to determine the role of this variant in disease. Therefore, it has been classified as a Variant of Uncertain Significance. Algorithms developed to predict the effect of missense changes on protein structure and function are either unavailable or do not agree on the potential impact of this missense change (SIFT: "Deleterious"; PolyPhen-2: "Benign"; Align-GVGD: "Class C0"). ClinVar contains an entry for this variant (Variation ID: 543727). This variant has not been reported in the literature in individuals affected with RET-related conditions. This variant is not present in population databases (gnomAD no frequency). This sequence change replaces histidine, which is basic and polar, with proline, which is neutral and non-polar, at codon 745 of the RET protein (p.His745Pro).